The following is an entry in ClinVar:

ClinVar aggregate classification (germline): Uncertain significance (1 of 4 stars; one submission).

Conditions:
Dilated cardiomyopathy 1JJ (CMD1JJ). Identifiers: Orphanet 154, MedGen C3808935, MONDO:0014095, OMIM 615235.

Submission:

Labcorp Genetics (formerly Invitae), Labcorp
Classification: Uncertain significance for Dilated cardiomyopathy 1JJ. Last evaluated: 2023-12-19. Review status: criteria provided, single submitter. Criteria: Invitae Variant Classification Sherloc (09022015). Collection method: clinical testing. Allele origin: germline.
Comment: This sequence change falls in intron 28 of the LAMA4 gene. It does not directly change the encoded amino acid sequence of the LAMA4 protein. This variant is not present in population databases (gnomAD no frequency). This variant has not been reported in the literature in individuals affected with LAMA4-related conditions. Algorithms developed to predict the effect of sequence changes on RNA splicing suggest that this variant may disrupt the consensus splice site. In summary, the available evidence is currently insufficient to determine the role of this variant in disease. Therefore, it has been classified as a Variant of Uncertain Significance.

NM_001105206.3(LAMA4):c.3835-10T>G

Gene: LAMA4 (laminin subunit alpha 4; minus strand). Cytogenetic location: 6q21.
Variant type: single nucleotide variant.
Coding change: c.3835-10T>G on transcript NM_001105206.3 (MANE Select); 10 bases into the intron before coding-DNA position 3835, T replaced by G.
Molecular consequence: intron variant.
Genome position (GRCh38, 1-based): chr6:112,131,111, A>C on the plus strand (T>G on the coding strand, the complement: LAMA4 is on the minus strand). VCF-style: chr6-112131111-A-C. GRCh37 (hg19) VCF-style: chr6-112452313-A-C.
Other names: c.3814-10T>G (NM_002290.5, NM_001105207.3).
Identifiers: ClinVar variation 2853480 (VCV002853480.3), dbSNP rs2546998287, ClinGen allele CA2578718634.
Genomic context (GRCh38, chr6:112,131,111, plus strand): 5'-TACATCCATGATGACAGTACCATTATCCAGTGAGATGGAGAACACGTCTGACTGAAATGC[A>C]AGCACAGGCATGTAAGTAGGGAGTCTAGGGATCCAAAAGACGGAAATGTTTTCAACATTT-3'